The following is an entry in ClinVar:

ClinVar aggregate classification (germline): Uncertain significance (1 of 4 stars; one submission).

Conditions:
Dilated cardiomyopathy 1II (CMD1II). Identifiers: Orphanet 154, MedGen C3554649, MONDO:0014073, OMIM 615184.

Submission:

Labcorp Genetics (formerly Invitae), Labcorp
Classification: Uncertain significance for Dilated cardiomyopathy 1II. Last evaluated: 2019-12-16. Review status: criteria provided, single submitter. Criteria: Invitae Variant Classification Sherloc (09022015). Collection method: clinical testing. Allele origin: germline.
Comment: This variant is a gross deletion of the genomic region encompassing exon 4 of the CRYAB gene. The 5' boundary is likely confined to intron 3. The 3' end of this event is unknown as it extends through the termination codon beyond the assayed region for this gene and may encompass additional genes. While this deletion is not anticipated to result in nonsense mediated decay, it is expected to create a truncated protein product or disrupt mRNA translation. This variant has not been reported in the literature in individuals with CRYAB-related conditions. In summary, the available evidence is currently insufficient to determine the role of this variant in disease. Therefore, it has been classified as a Variant of Uncertain Significance.

NC_000011.10:g.(?_111908754)_(111908977_?)del

Gene: CRYAB (crystallin alpha B; minus strand). Cytogenetic location: 11q23.1.
Variant type: Deletion.
Identifiers: ClinVar variation 830695 (VCV000830695.1).